The following is an entry in ClinVar:

NM_003036.4(SKI):c.1975C>G (p.Leu659Val)

Gene: SKI (SKI proto-oncogene; plus strand). Cytogenetic location: 1p36.32.
Variant type: single nucleotide variant.
Coding change: c.1975C>G on transcript NM_003036.4 (MANE Select); coding-DNA position 1975, C replaced by G.
Protein change: p.Leu659Val; replaces leucine 659 with valine.
Molecular consequence: missense variant.
Genome position (GRCh38, 1-based): chr1:2,306,227, C>G. VCF-style: chr1-2306227-C-G. GRCh37 (hg19) VCF-style: chr1-2237666-C-G.
Other names: short protein forms L659V.
Identifiers: ClinVar variation 3318705 (VCV003318705.1).

ClinVar aggregate classification (germline): Uncertain significance (1 of 4 stars; one submission).

Conditions:
Familial thoracic aortic aneurysm and aortic dissection (TAAD). Also called: Thoracic aortic aneurysms and dissections. Identifiers: Orphanet 91387, MedGen C4707243, MONDO:0019625.

gnomAD v4.1: 1 of 1,560,188 alleles (0.000064%); highest among the groups gnomAD compares: Non-Finnish European, 0.000087%; no homozygotes.

Submission:

Ambry Genetics
Classification: Uncertain significance for Familial thoracic aortic aneurysm and aortic dissection. Last evaluated: 2024-04-04. Review status: criteria provided, single submitter. Criteria: Ambry Variant Classification Scheme 2023. Collection method: clinical testing. Allele origin: germline.
Comment: The p.L659V variant (also known as c.1975C>G), located in coding exon 6 of the SKI gene, results from a C to G substitution at nucleotide position 1975. The leucine at codon 659 is replaced by valine, an amino acid with highly similar properties. This amino acid position is conserved. In addition, the in silico prediction for this alteration is inconclusive. Based on the available evidence, the clinical significance of this variant remains unclear.